The following is an entry in ClinVar:

NM_005236.3(ERCC4):c.1379A>T (p.Lys460Met)

Gene: ERCC4 (ERCC excision repair 4, endonuclease catalytic subunit; plus strand). Cytogenetic location: 16p13.12.
Variant type: single nucleotide variant.
Coding change: c.1379A>T on transcript NM_005236.3 (MANE Select); coding-DNA position 1379, A replaced by T.
Protein change: p.Lys460Met; replaces lysine 460 with methionine.
Molecular consequence: missense variant.
Genome position (GRCh38, 1-based): chr16:13,935,311, A>T. VCF-style: chr16-13935311-A-T. GRCh37 (hg19) VCF-style: chr16-14029168-A-T.
Other names: short protein forms K460M.
Identifiers: ClinVar variation 1523150 (VCV001523150.9), dbSNP rs761301503, ClinGen allele CA7910453.

ClinVar aggregate classification (germline): Uncertain significance. Review status: criteria provided, multiple submitters, no conflicts (2 of 4 stars). 2 submissions from 2 submitters: Uncertain significance (2). Last evaluated 2023-11-24.

Conditions:
Cockayne syndrome. Identifiers: Orphanet 191, MedGen C0009207, MONDO:0016006.
Fanconi anemia complementation group Q. Identifiers: Orphanet 84, MedGen C3808988, MONDO:0014108, OMIM 615272.
Xeroderma pigmentosum, group F (XPF). Also called: XERODERMA PIGMENTOSUM, COMPLEMENTATION GROUP F; XERODERMA PIGMENTOSUM, TYPE F; Xeroderma pigmentosum, type 6; ERCC4-Related Xeroderma Pigmentosum; XERODERMA PIGMENTOSUM VI; XP, GROUP F. Identifiers: MedGen C0268140, MONDO:0010215, OMIM 278760.

Allele frequency attached by ClinVar (database versions not stated): gnomAD 0.00002; gnomAD exomes 0.00002 and 0.00003; ExAC 0.00003.
gnomAD v4.1: 21 of 1,614,002 alleles (0.0013%); highest among the groups gnomAD compares: Non-Finnish European, 0.00093%; no homozygotes.

Submissions (2):

Blueprint Genetics
Classification: Uncertain significance. Last evaluated: 2023-11-24. Review status: criteria provided, single submitter. Criteria: ACMG Guidelines, 2015. Collection method: clinical testing. Allele origin: germline.

Labcorp Genetics (formerly Invitae), Labcorp
Classification: Uncertain significance for Fanconi anemia complementation group Q; Xeroderma pigmentosum, group F; Cockayne syndrome. Last evaluated: 2021-04-23. Review status: criteria provided, single submitter. Criteria: Invitae Variant Classification Sherloc (09022015). Collection method: clinical testing. Allele origin: germline.
Comment: This sequence change replaces lysine with methionine at codon 460 of the ERCC4 protein (p.Lys460Met). The lysine residue is moderately conserved and there is a moderate physicochemical difference between lysine and methionine. This variant is present in population databases (rs761301503, ExAC 0.02%). This variant has not been reported in the literature in individuals with ERCC4-related conditions. In summary, the available evidence is currently insufficient to determine the role of this variant in disease. Therefore, it has been classified as a Variant of Uncertain Significance. Algorithms developed to predict the effect of missense changes on protein structure and function are either unavailable or do not agree on the potential impact of this missense change (SIFT: "Deleterious"; PolyPhen-2: "Possibly Damaging"; Align-GVGD: "Class C0").